The following is an entry in ClinVar:

ClinVar aggregate classification (germline): Benign. Review status: criteria provided, multiple submitters, no conflicts (2 of 4 stars). 2 submissions from 2 submitters: Benign (2). Last evaluated 2018-01-13.

Conditions:
Age related macular degeneration 1 (ARMD1). Also called: MACULOPATHY, AGE-RELATED, 1. Identifiers: MedGen C1864205, MONDO:0011285, OMIM 603075.

Allele frequency attached by ClinVar (database versions not stated): gnomAD 0.02894 and 0.02893; 1000 Genomes Project 0.01897; gnomAD exomes 0.03131; 1000 Genomes Project 30x 0.01749; TOPMed 0.02612.
gnomAD v4.1: 5,661 of 193,042 alleles (2.9%); highest among the groups gnomAD compares: Non-Finnish European, 4.6%; 111 homozygotes.

Submissions (2):

Illumina Laboratory Services, Illumina
Classification: Benign for Age related macular degeneration 1. Last evaluated: 2018-01-13. Review status: criteria provided, single submitter. Criteria: ICSL Variant Classification Criteria 13 December 2019. Collection method: clinical testing. Allele origin: germline.
Comment: This variant was observed in the ICSL laboratory as part of a predisposition screen in an ostensibly healthy population. It had not been previously curated by ICSL or reported in the Human Gene Mutation Database (HGMD: prior to June 1st, 2018), and was therefore a candidate for classification through an automated scoring system. Utilizing variant allele frequency, disease prevalence and penetrance estimates, and inheritance mode, an automated score was calculated to assess if this variant is too frequent to cause the disease. Based on the score and internal cut-off values, a variant classified as benign is not then subjected to further curation. The score for this variant resulted in a classification of benign for this disease.

Breakthrough Genomics
Classification: Benign. Review status: criteria provided, single submitter. Criteria: ACMG Guidelines, 2015. Collection method: not provided. Allele origin: germline. Inheritance: Autosomal dominant inheritance. Affected: yes.

NM_031935.3(HMCN1):c.*937A>G

Gene: HMCN1 (hemicentin 1; plus strand). Cytogenetic location: 1q31.1.
Variant type: single nucleotide variant.
Coding change: c.*937A>G on transcript NM_031935.3 (MANE Select); 937 bases downstream of the stop codon, A replaced by G.
Molecular consequence: 3 prime UTR variant.
Genome position (GRCh38, 1-based): chr1:186,190,815, A>G. VCF-style: chr1-186190815-A-G. GRCh37 (hg19) VCF-style: chr1-186159947-A-G.
Identifiers: ClinVar variation 294331 (VCV000294331.6), dbSNP rs41317509, ClinGen allele CA10608583.
Genomic context (GRCh38, chr1:186,190,815, plus strand): 5'-CAATACACTGTACATGGTGGTAATAGACTCTAAGCAATTGCCAAGATGTATTCTATTTTT[A>G]TGAAGTGTATATATATTACCTTAGTGTGCATTTTCTATATAATATCTTGATGGACTCTTT-3'